The following is an entry in ClinVar:

NM_181872.6(DMRT2):c.1526A>G (p.Lys509Arg)

Gene: DMRT2 (doublesex and mab-3 related transcription factor 2; plus strand). Cytogenetic location: 9p24.3.
Variant type: single nucleotide variant.
Coding change: c.1526A>G on transcript NM_181872.6 (MANE Select); coding-DNA position 1526, A replaced by G.
Protein change: p.Lys509Arg; replaces lysine 509 with arginine.
Molecular consequence: missense variant. On other transcripts: 3 prime UTR variant (4), non-coding transcript variant (1).
Genome position (GRCh38, 1-based): chr9:1,057,113, A>G. VCF-style: chr9-1057113-A-G. GRCh37 (hg19) VCF-style: chr9-1057113-A-G.
Other names: c.*923A>G (NM_001130865.3, NM_001370533.1, NM_001387557.1); c.1004A>G, p.Lys335Arg (NM_001370532.1); c.1526A>G, p.Lys509Arg (NM_001387558.1, NM_001387559.1); c.827A>G, p.Lys276Arg (NM_001387560.1); c.*1339A>G (NM_006557.7); short protein forms K335R, K276R, K509R.
Identifiers: ClinVar variation 2247694 (VCV002247694.4), dbSNP rs376847583, ClinGen allele CA4962663.

ClinVar aggregate classification (germline): Uncertain significance. Review status: criteria provided, single submitter (1 of 4 stars). 2 submissions from 2 submitters: Uncertain significance (1). 1 of the submissions does not count toward it. Last evaluated 2025-02-25.

Conditions:
DMRT2-related disorder. Also called: DMRT2-related condition.

Allele frequency attached by ClinVar (database versions not stated): ExAC 0.00003; gnomAD 0.00005; TOPMed 0.00005; gnomAD exomes 0.00011; ESP Exome Variant Server 0.00015.
gnomAD v4.1: 164 of 1,614,088 alleles (0.01%); highest among the groups gnomAD compares: Non-Finnish European, 0.013%; no homozygotes.

Submissions (2):

Ambry Genetics
Classification: Uncertain significance. Last evaluated: 2025-02-25. Review status: criteria provided, single submitter. Criteria: Ambry Variant Classification Scheme 2023. Collection method: clinical testing. Allele origin: germline.

PreventionGenetics, part of Exact Sciences
Classification: Likely benign for DMRT2-related condition. Last evaluated: 2024-09-03. Review status: no assertion criteria provided. Collection method: clinical testing. Allele origin: germline. Not counted in ClinVar's aggregate classification.
Comment: This variant is classified as likely benign based on ACMG/AMP sequence variant interpretation guidelines (Richards et al. 2015 PMID: 25741868, with internal and published modifications).